The following is an entry in ClinVar:

NM_018341.3(ERMARD):c.507+75A>G

Gene: ERMARD (ER membrane associated RNA degradation; plus strand). Cytogenetic location: 6q27.
Variant type: single nucleotide variant.
Coding change: c.507+75A>G on transcript NM_018341.3 (MANE Select); 75 bases into the intron after coding-DNA position 507, A replaced by G.
Molecular consequence: intron variant.
Genome position (GRCh38, 1-based): chr6:169,756,883, A>G. VCF-style: chr6-169756883-A-G. GRCh37 (hg19) VCF-style: chr6-170156979-A-G.
Other names: c.507+75A>G (NM_001278531.2, NM_001278533.2); c.129+75A>G (NM_001278532.2).
Identifiers: ClinVar variation 680094 (VCV000680094.1), dbSNP rs13209742, ClinGen allele CA12220922.

ClinVar aggregate classification (germline): Benign (1 of 4 stars; one submission).

Allele frequency attached by ClinVar (database versions not stated): 1000 Genomes Project 30x 0.02171; 1000 Genomes Project 0.02236; TOPMed 0.04084; gnomAD 0.04224 and 0.04289; gnomAD exomes 0.05689.
gnomAD v4.1: 73,005 of 1,326,756 alleles (5.5%); highest among the groups gnomAD compares: Non-Finnish European, 6.6%; 2,396 homozygotes.

Submission:

GeneDx
Classification: Benign. Last evaluated: 2018-06-16. Review status: criteria provided, single submitter. Criteria: GeneDx Variant Classification (06012015). Collection method: clinical testing. Allele origin: germline. Affected: yes.
Comment: This variant is considered likely benign or benign based on one or more of the following criteria: it is a conservative change, it occurs at a poorly conserved position in the protein, it is predicted to be benign by multiple in silico algorithms, and/or has population frequency not consistent with disease.